The following is an entry in ClinVar:

NM_004544.4(NDUFA10):c.332A>G (p.Asn111Ser)

Gene: NDUFA10 (NADH:ubiquinone oxidoreductase subunit A10; minus strand). Cytogenetic location: 2q37.3.
Variant type: single nucleotide variant.
Coding change: c.332A>G on transcript NM_004544.4 (MANE Select); coding-DNA position 332, A replaced by G.
Protein change: p.Asn111Ser; replaces asparagine 111 with serine.
Molecular consequence: missense variant. On other transcripts: non-coding transcript variant (4).
Genome position (GRCh38, 1-based): chr2:240,021,325, T>C on the plus strand (A>G on the coding strand, the complement: NDUFA10 is on the minus strand). VCF-style: chr2-240021325-T-C. GRCh37 (hg19) VCF-style: chr2-240960742-T-C.
Other names: c.332A>G, p.Asn111Ser (NM_001322019.2, NM_001322020.2); short protein forms N111S.
Identifiers: ClinVar variation 1448862 (VCV001448862.6), dbSNP rs763522660, ClinGen allele CA2201086.
Genomic context (GRCh38, chr2:240,021,325, plus strand): 5'-AGGCGGTAACTGTTGCCATCATTGCTTCTCGGATCATCGTAAAATTTCTCCAAACTACAG[T>C]TGCCATTATAGTCGGTGGCGAGGGGCTTCCCATCTCCTGTGGTACTGTCTGGATAATGAA-3'
Protein context (NP_004535.1, residues 101-121): GKPLATDYNG[Asn111Ser]CSLEKFYDDP

ClinVar aggregate classification (germline): Uncertain significance (1 of 4 stars; one submission).

Allele frequency attached by ClinVar (database versions not stated): gnomAD exomes 0.00001; ExAC 0.00002; TOPMed 0.00003; gnomAD 0.00006.
gnomAD v4.1: 12 of 1,614,224 alleles (0.00074%); highest among the groups gnomAD compares: African/African-American, 0.013%; no homozygotes.

Submission:

Labcorp Genetics (formerly Invitae), Labcorp
Classification: Uncertain significance. Last evaluated: 2021-12-02. Review status: criteria provided, single submitter. Criteria: Invitae Variant Classification Sherloc (09022015). Collection method: clinical testing. Allele origin: germline.
Comment: In summary, the available evidence is currently insufficient to determine the role of this variant in disease. Therefore, it has been classified as a Variant of Uncertain Significance. Algorithms developed to predict the effect of sequence changes on RNA splicing suggest that this variant may create or strengthen a splice site. Algorithms developed to predict the effect of missense changes on protein structure and function output the following: SIFT: "Tolerated"; PolyPhen-2: "Benign"; Align-GVGD: "Class C0". The serine amino acid residue is found in multiple mammalian species, which suggests that this missense change does not adversely affect protein function. This variant has not been reported in the literature in individuals affected with NDUFA10-related conditions. This variant is present in population databases (rs763522660, gnomAD 0.02%). This sequence change replaces asparagine, which is neutral and polar, with serine, which is neutral and polar, at codon 111 of the NDUFA10 protein (p.Asn111Ser).